The following is an entry in ClinVar:

ClinVar aggregate classification (germline): Conflicting classifications of pathogenicity. Review status: criteria provided, conflicting classifications (1 of 4 stars). 6 submissions from 6 submitters: Uncertain significance (5); Likely benign (1). Last evaluated 2026-01-29.

Conditions:
LAMA2-related muscular dystrophy (LAMA2-RD). Also called: Laminin alpha 2-related dystrophy. Identifiers: MedGen C5679788, MONDO:0100228.
Congenital muscular dystrophy due to partial LAMA2 deficiency. Identifiers: MedGen C1842898.

Allele frequency attached by ClinVar (database versions not stated): gnomAD 0.00006 and 0.00013; TOPMed 0.00008; ExAC 0.00018; gnomAD exomes 0.00020; 1000 Genomes Project 30x 0.00031; 1000 Genomes Project 0.00040.
gnomAD v4.1: 314 of 1,612,846 alleles (0.019%); highest among the groups gnomAD compares: East Asian, 0.31%; 2 homozygotes.

Submissions (6):

Labcorp Genetics (formerly Invitae), Labcorp
Classification: Likely benign for LAMA2-related muscular dystrophy. Last evaluated: 2026-01-29. Review status: criteria provided, single submitter. Criteria: Invitae Variant Classification Sherloc (09022015). Collection method: clinical testing. Allele origin: germline.

Blueprint Genetics
Classification: Uncertain significance. Last evaluated: 2024-05-20. Review status: criteria provided, single submitter. Criteria: ACMG Guidelines, 2015. Collection method: clinical testing. Allele origin: germline.

Revvity Omics, Revvity
Classification: Uncertain significance. Last evaluated: 2023-09-06. Review status: criteria provided, single submitter. Criteria: ACMG Guidelines, 2015. Collection method: clinical testing. Allele origin: germline.

GeneDx
Classification: Uncertain significance. Last evaluated: 2019-01-08. Review status: criteria provided, single submitter. Criteria: GeneDx Variant Classification (06012015). Collection method: clinical testing. Allele origin: germline. Affected: yes.
Comment: The A763V variant in the LAMA2 gene has not been reported previously as a pathogenic variant, nor as a benign variant, to our knowledge. Although not observed in the homozygous state, the A763V variant is observed in 14/10138 (0.14%) alleles from individuals of Ashkenazi Jewish background and 47/276694 (0.017%) total alleles in large population cohorts (Lek et al., 2016). The A763V variant is a conservative amino acid substitution, which is not likely to impact secondary protein structure as these residues share similar properties. In-silico analyses, including protein predictors and evolutionary conservation, support a deleterious effect. We interpret A763V as a variant of uncertain significance.

Illumina Laboratory Services, Illumina
Classification: Uncertain significance for Congenital muscular dystrophy due to partial LAMA2 deficiency. Last evaluated: 2018-01-13. Review status: criteria provided, single submitter. Criteria: ICSL Variant Classification Criteria 13 December 2019. Collection method: clinical testing. Allele origin: germline.

Eurofins Ntd Llc (ga)
Classification: Uncertain significance. Last evaluated: 2017-01-04. Review status: criteria provided, single submitter. Criteria: EGL Classification Definitions 2015. Collection method: clinical testing. Allele origin: germline. Observed: 1 variant allele, 1 heterozygote.

NM_000426.4(LAMA2):c.2288C>T (p.Ala763Val)

Gene: LAMA2 (laminin subunit alpha 2; plus strand). Cytogenetic location: 6q22.33.
Variant type: single nucleotide variant.
Coding change: c.2288C>T on transcript NM_000426.4 (MANE Select); coding-DNA position 2288, C replaced by T.
Protein change: p.Ala763Val; replaces alanine 763 with valine.
Molecular consequence: missense variant.
Genome position (GRCh38, 1-based): chr6:129,267,185, C>T. VCF-style: chr6-129267185-C-T. GRCh37 (hg19) VCF-style: chr6-129588330-C-T.
Other names: c.2288C>T, p.Ala763Val (NM_001079823.2); short protein forms A763V.
Identifiers: ClinVar variation 477452 (VCV000477452.20), dbSNP rs141521127, ClinGen allele CA3992880.